The following is an entry in ClinVar:

NM_177438.3(DICER1):c.4583G>A (p.Trp1528Ter)

Gene: DICER1 (dicer 1, ribonuclease III; minus strand). Cytogenetic location: 14q32.13.
Variant type: single nucleotide variant.
Coding change: c.4583G>A on transcript NM_177438.3 (MANE Select); coding-DNA position 4583, G replaced by A.
Protein change: p.Trp1528Ter; replaces tryptophan 1528 with a stop codon.
Molecular consequence: nonsense.
Genome position (GRCh38, 1-based): chr14:95,096,337, C>T on the plus strand (G>A on the coding strand, the complement: DICER1 is on the minus strand). VCF-style: chr14-95096337-C-T. GRCh37 (hg19) VCF-style: chr14-95562674-C-T.
Other names: c.4583G>A, p.Trp1528Ter (NM_001195573.1, NM_001271282.3, NM_001291628.2 and 1 more transcripts); short protein forms W1528*.
Identifiers: ClinVar variation 1351715 (VCV001351715.7), dbSNP rs2139847738, ClinGen allele CA390867762.

ClinVar aggregate classification (germline): Pathogenic (1 of 4 stars; one submission).

Conditions:
DICER1-related tumor predisposition. Also called: DICER1 syndrome; DICER1-related pleuropulmonary blastoma cancer predisposition syndrome. Identifiers: Orphanet 284343, MedGen C3839822, MONDO:0100216.

Submission:

Labcorp Genetics (formerly Invitae), Labcorp
Classification: Pathogenic for DICER1-related tumor predisposition. Last evaluated: 2022-02-21. Review status: criteria provided, single submitter. Criteria: Invitae Variant Classification Sherloc (09022015). Collection method: clinical testing. Allele origin: germline.
Comment: This sequence change creates a premature translational stop signal (p.Trp1528*) in the DICER1 gene. It is expected to result in an absent or disrupted protein product. Loss-of-function variants in DICER1 are known to be pathogenic (PMID: 19556464, 21266384). For these reasons, this variant has been classified as Pathogenic. Algorithms developed to predict the effect of sequence changes on RNA splicing suggest that this variant may create or strengthen a splice site. This variant has not been reported in the literature in individuals affected with DICER1-related conditions. This variant is not present in population databases (gnomAD no frequency).

Literature cited by the submitters: PubMed 19556464; PubMed 21266384.